The following is an entry in ClinVar:

ClinVar aggregate classification (germline): Uncertain significance (1 of 4 stars; one submission).

Conditions:
Inborn genetic diseases. Identifiers: MedGen C0950123, MeSH D030342.

Submission:

Ambry Genetics
Classification: Uncertain significance for Inborn genetic diseases. Last evaluated: 2024-05-15. Review status: criteria provided, single submitter. Criteria: Ambry Variant Classification Scheme 2023. Collection method: clinical testing. Allele origin: germline.
Comment: The p.P752Q variant (also known as c.2255C>A), located in coding exon 14 of the EPAS1 gene, results from a C to A substitution at nucleotide position 2255. The proline at codon 752 is replaced by glutamine, an amino acid with similar properties. This amino acid position is conserved. In addition, this alteration is predicted to be tolerated by in silico analysis. Based on the available evidence, the clinical significance of this variant remains unclear.

NM_001430.5(EPAS1):c.2255C>A (p.Pro752Gln)

Gene: EPAS1 (endothelial PAS domain protein 1; plus strand). Cytogenetic location: 2p21.
Variant type: single nucleotide variant.
Coding change: c.2255C>A on transcript NM_001430.5 (MANE Select); coding-DNA position 2255, C replaced by A.
Protein change: p.Pro752Gln; replaces proline 752 with glutamine.
Molecular consequence: missense variant.
Genome position (GRCh38, 1-based): chr2:46,382,057, C>A. VCF-style: chr2-46382057-C-A. GRCh37 (hg19) VCF-style: chr2-46609196-C-A.
Other names: short protein forms P752Q.
Identifiers: ClinVar variation 3275720 (VCV003275720.1).
Genomic context (GRCh38, chr2:46,382,057, plus strand): 5'-CCTCACATTTGATGTGGAAACGGATGAAGAACCTCAGGGGTGGGAGCTGCCCTTTGATGC[C>A]GGACAAGCCACTGAGCGCAAATGTACCCAATGGTGAGCAGCGGCCACAGGCCTGGGCCTC-3'
Protein context (NP_001421.2, residues 742-762): NLRGGSCPLM[Pro752Gln]DKPLSANVPN